The following is an entry in ClinVar:

NM_000878.5(IL2RB):c.80C>T (p.Ala27Val)

Gene: IL2RB (interleukin 2 receptor subunit beta; minus strand). Cytogenetic location: 22q12.3.
Variant type: single nucleotide variant.
Coding change: c.80C>T on transcript NM_000878.5 (MANE Select); coding-DNA position 80, C replaced by T.
Protein change: p.Ala27Val; replaces alanine 27 with valine.
Molecular consequence: missense variant.
Genome position (GRCh38, 1-based): chr22:37,144,093, G>A on the plus strand (C>T on the coding strand, the complement: IL2RB is on the minus strand). VCF-style: chr22-37144093-G-A. GRCh37 (hg19) VCF-style: chr22-37540133-G-A.
Other names: c.80C>T, p.Ala27Val (NM_001346222.1, NM_001346223.2); short protein forms A27V.
Identifiers: ClinVar variation 2712636 (VCV002712636.1), dbSNP rs141522549, ClinGen allele CA10216773.

ClinVar aggregate classification (germline): Uncertain significance (1 of 4 stars; one submission).

Allele frequency attached by ClinVar (database versions not stated): gnomAD exomes 0.00002; gnomAD 0.00015; TOPMed 0.00015; ESP Exome Variant Server 0.00016.
gnomAD v4.1: 48 of 1,552,214 alleles (0.0031%); highest among the groups gnomAD compares: African/African-American, 0.033%; no homozygotes.

Submission:

Labcorp Genetics (formerly Invitae), Labcorp
Classification: Uncertain significance. Last evaluated: 2023-10-18. Review status: criteria provided, single submitter. Criteria: Invitae Variant Classification Sherloc (09022015). Collection method: clinical testing. Allele origin: germline.
Comment: This sequence change replaces alanine, which is neutral and non-polar, with valine, which is neutral and non-polar, at codon 27 of the IL2RB protein (p.Ala27Val). The frequency data for this variant in the population databases is considered unreliable, as metrics indicate poor data quality at this position in the gnomAD database. This variant has not been reported in the literature in individuals affected with IL2RB-related conditions. Algorithms developed to predict the effect of missense changes on protein structure and function output the following: SIFT: "Not Available"; PolyPhen-2: "Benign"; Align-GVGD: "Not Available". The valine amino acid residue is found in multiple mammalian species, which suggests that this missense change does not adversely affect protein function. In summary, the available evidence is currently insufficient to determine the role of this variant in disease. Therefore, it has been classified as a Variant of Uncertain Significance.